The following is an entry in ClinVar:

ClinVar aggregate classification (germline): Conflicting classifications of pathogenicity. Review status: criteria provided, conflicting classifications (1 of 4 stars). 2 submissions from 2 submitters: Uncertain significance (1); Likely benign (1). Last evaluated 2025-07-02.

Conditions:
Inborn genetic diseases. Identifiers: MedGen C0950123, MeSH D030342.

gnomAD v4.1: 11 of 1,611,528 alleles (0.00068%); highest among the groups gnomAD compares: Admixed American, 0.018%; no homozygotes.

Submissions (2):

Ambry Genetics
Classification: Likely benign for Inborn genetic diseases. Last evaluated: 2025-07-02. Review status: criteria provided, single submitter. Criteria: Ambry Variant Classification Scheme 2023. Collection method: clinical testing. Allele origin: germline.

GeneDx
Classification: Uncertain significance. Last evaluated: 2025-05-30. Review status: criteria provided, single submitter. Criteria: GeneDx Variant Classification Process June 2021. Collection method: clinical testing. Allele origin: germline. Affected: yes.
Comment: In silico analysis supports that this missense variant has a deleterious effect on protein structure/function; Has not been previously published as pathogenic or benign to our knowledge

NM_001162501.2(TNRC6B):c.2128G>A (p.Gly710Arg)

Gene: TNRC6B (trinucleotide repeat containing adaptor 6B; plus strand). Cytogenetic location: 22q13.1.
Variant type: single nucleotide variant.
Coding change: c.2128G>A on transcript NM_001162501.2 (MANE Select); coding-DNA position 2128, G replaced by A.
Protein change: p.Gly710Arg; replaces glycine 710 with arginine.
Molecular consequence: missense variant. On other transcripts: intron variant (1).
Genome position (GRCh38, 1-based): chr22:40,266,358, G>A. VCF-style: chr22-40266358-G-A. GRCh37 (hg19) VCF-style: chr22-40662362-G-A.
Other names: c.2128G>A, p.Gly710Arg (NM_015088.3); c.566-3764G>A (NM_001024843.2); short protein forms G710R.
Identifiers: ClinVar variation 4188449 (VCV004188449.2).